The following is an entry in ClinVar:

ClinVar aggregate classification (germline): Uncertain significance. Review status: criteria provided, multiple submitters, no conflicts (2 of 4 stars). 3 submissions from 3 submitters: Uncertain significance (3). Last evaluated 2025-03-30.

Conditions:
Pheochromocytoma. Also called: MAX-Related Hereditary Paraganglioma-Pheochromocytoma Syndrome. Identifiers: Orphanet 29072, MedGen C0031511, MONDO:0008233, OMIM 171300, HP:0002666.
Gastrointestinal stromal tumor. Also called: Gastrointestinal stromal tumor, somatic; Gastrointestinal stroma tumor. Identifiers: Orphanet 44890, MedGen C0238198, MeSH D046152, MONDO:0011719, OMIM 606764, HP:0100723.
Pheochromocytoma/paraganglioma syndrome 4. Also called: CAROTID BODY TUMORS AND MULTIPLE EXTRAADRENAL PHEOCHROMOCYTOMAS; SDHB-Related Hereditary Paraganglioma-Pheochromocytoma Syndrome (Paragangliomas 4); Paragangliomas 4; SDHB-Related Hereditary Paraganglioma-Pheochromocytoma Syndrome; PARAGANGLIOMA, FAMILIAL MALIGNANT; PARAGANGLIOMAS, HEREDITARY EXTRAADRENAL. Identifiers: Orphanet 29072, MedGen C1861848, MONDO:0007273, OMIM 115310.
Hereditary cancer-predisposing syndrome. Also called: Tumor predisposition; Neoplastic Syndromes, Hereditary; Hereditary neoplastic syndrome; Hereditary Cancer Syndrome. Identifiers: Orphanet 140162, MedGen C0027672, MeSH D009386, MONDO:0015356.

Submissions (3):

Labcorp Genetics (formerly Invitae), Labcorp
Classification: Uncertain significance for Gastrointestinal stromal tumor; Pheochromocytoma/paraganglioma syndrome 4; Pheochromocytoma. Last evaluated: 2025-03-30. Review status: criteria provided, single submitter. Criteria: Invitae Variant Classification Sherloc (09022015). Collection method: clinical testing. Allele origin: germline.
Comment: This sequence change replaces glutamine, which is neutral and polar, with arginine, which is basic and polar, at codon 24 of the SDHB protein (p.Gln24Arg). This variant is not present in population databases (gnomAD no frequency). This variant has not been reported in the literature in individuals affected with SDHB-related conditions. ClinVar contains an entry for this variant (Variation ID: 1040802). An algorithm developed to predict the effect of missense changes on protein structure and function (PolyPhen-2) suggests that this variant is likely to be tolerated. RNA analysis performed to evaluate the impact of this missense change on mRNA splicing indicates it does not significantly alter splicing (internal data). In summary, the available evidence is currently insufficient to determine the role of this variant in disease. Therefore, it has been classified as a Variant of Uncertain Significance.

GeneDx
Classification: Uncertain significance. Last evaluated: 2025-03-14. Review status: criteria provided, single submitter. Criteria: GeneDx Variant Classification Process June 2021. Collection method: clinical testing. Allele origin: germline. Affected: yes.
Comment: Not observed at significant frequency in large population cohorts (gnomAD); In silico analysis indicates that this missense variant does not alter protein structure/function; Has not been previously published as pathogenic or benign to our knowledge

Ambry Genetics
Classification: Uncertain significance for Hereditary cancer-predisposing syndrome. Last evaluated: 2024-09-16. Review status: criteria provided, single submitter. Criteria: Ambry Variant Classification Scheme 2023. Collection method: clinical testing. Allele origin: germline.
Comment: The p.Q24R variant (also known as c.71A>G), located in coding exon 1 of the SDHB gene, results from an A to G substitution at nucleotide position 71. The glutamine at codon 24 is replaced by arginine, an amino acid with highly similar properties. This amino acid position is well conserved in available vertebrate species. In addition, the in silico prediction for this alteration is inconclusive. Since supporting evidence is limited at this time, the clinical significance of this alteration remains unclear.

NM_003000.3(SDHB):c.71A>G (p.Gln24Arg)

Genes: SDHB (succinate dehydrogenase complex iron sulfur subunit B; minus strand), LOC129929542 (ATAC-STARR-seq lymphoblastoid active region 277; plus strand). Cytogenetic location: 1p36.13.
Variant type: single nucleotide variant.
Coding change: c.71A>G on transcript NM_003000.3 (MANE Select); coding-DNA position 71, A replaced by G.
Protein change: p.Gln24Arg; replaces glutamine 24 with arginine.
Molecular consequence: missense variant.
Genome position (GRCh38, 1-based): chr1:17,053,949, T>C on the plus strand (A>G on the coding strand, the complement: SDHB is on the minus strand). VCF-style: chr1-17053949-T-C. GRCh37 (hg19) VCF-style: chr1-17380444-T-C.
Other names: short protein forms Q24R.
Identifiers: ClinVar variation 1040802 (VCV001040802.9), dbSNP rs878854580, ClinGen allele CA338230587.